The following is an entry in ClinVar:

NM_005751.5(AKAP9):c.10994C>A (p.Ser3665Tyr)

Gene: AKAP9 (A-kinase anchoring protein 9; plus strand). Cytogenetic location: 7q21.2.
Variant type: single nucleotide variant.
Coding change: c.10994C>A on transcript NM_005751.5 (MANE Select); coding-DNA position 10994, C replaced by A.
Protein change: p.Ser3665Tyr; replaces serine 3665 with tyrosine.
Molecular consequence: missense variant.
Genome position (GRCh38, 1-based): chr7:92,100,953, C>A. VCF-style: chr7-92100953-C-A. GRCh37 (hg19) VCF-style: chr7-91730267-C-A.
Other names: c.5639C>A, p.Ser1880Tyr (NM_001379277.1); c.10970C>A, p.Ser3657Tyr (NM_147185.3); short protein forms S3657Y, S1880Y, S3665Y.
Identifiers: ClinVar variation 1791392 (VCV001791392.2), dbSNP rs1354500244, ClinGen allele CA368160132.

ClinVar aggregate classification (germline): Uncertain significance (1 of 4 stars; one submission).

Conditions:
Cardiovascular phenotype. Identifiers: MedGen CN230736.

Allele frequency attached by ClinVar (database versions not stated): TOPMed 0.00001.
gnomAD v4.1: 1 of 1,614,122 alleles (0.000062%); no homozygotes.

Submission:

Ambry Genetics
Classification: Uncertain significance for Cardiovascular phenotype. Last evaluated: 2022-06-22. Review status: criteria provided, single submitter. Criteria: Ambry Variant Classification Scheme 2023. Collection method: clinical testing. Allele origin: germline.
Comment: The p.S3665Y variant (also known as c.10994C>A), located in coding exon 45 of the AKAP9 gene, results from a C to A substitution at nucleotide position 10994. The serine at codon 3665 is replaced by tyrosine, an amino acid with dissimilar properties. This amino acid position is conserved. In addition, this alteration is predicted to be tolerated by in silico analysis. Since supporting evidence is limited at this time, the clinical significance of this alteration remains unclear.